The following is an entry in ClinVar:

ClinVar aggregate classification (germline): Pathogenic (1 of 4 stars; one submission).

Conditions:
Walker-Warburg congenital muscular dystrophy. Also called: Muscular dystrophy-dystroglycanopathy, type A; Walker-Warburg syndrome. Identifiers: Orphanet 899, MedGen C0265221, MONDO:0000171.

Submission:

Labcorp Genetics (formerly Invitae), Labcorp
Classification: Pathogenic for Walker-Warburg congenital muscular dystrophy. Last evaluated: 2022-07-05. Review status: criteria provided, single submitter. Criteria: Invitae Variant Classification Sherloc (09022015). Collection method: clinical testing. Allele origin: germline.
Comment: ClinVar contains an entry for this variant (Variation ID: 1363219). For these reasons, this variant has been classified as Pathogenic. This variant disrupts a region of the FKRP protein in which other variant(s) (p.Trp432*) have been determined to be pathogenic (Invitae). This suggests that this is a clinically significant region of the protein, and that variants that disrupt it are likely to be disease-causing. This variant has not been reported in the literature in individuals affected with FKRP-related conditions. This variant is not present in population databases (gnomAD no frequency). This sequence change creates a premature translational stop signal (p.Val218Glyfs*41) in the FKRP gene. While this is not anticipated to result in nonsense mediated decay, it is expected to disrupt the last 278 amino acid(s) of the FKRP protein.

NM_024301.5(FKRP):c.650dup (p.Val218fs)

Gene: FKRP (fukutin related protein; plus strand). Cytogenetic location: 19q13.32.
Variant type: Duplication.
Coding change: c.650dup on transcript NM_024301.5 (MANE Select); coding-DNA position 650, one base duplicated (C; older notation c.650dupC).
Protein change: p.Val218fs; shifts the reading frame from valine 218.
Molecular consequence: frameshift variant.
Genome position (GRCh38, 1-based): chr19:46,756,100, C duplicated; the last of 2 consecutive C bases (chr19:46,756,099-46,756,100); duplicating either gives the same sequence. VCF-style (leftmost placement, unchanged base first): chr19-46756098-G-GC. GRCh37 (hg19) VCF-style: chr19-47259355-G-GC.
Other names: c.650dup, p.Val218fs (NM_001039885.3); short protein forms V218fs.
Identifiers: ClinVar variation 1363219 (VCV001363219.8), dbSNP rs2122620454, ClinGen allele CA2573156477.